The following is an entry in ClinVar:

NM_015836.4(WARS2):c.399A>G (p.Leu133=)

Gene: WARS2 (tryptophanyl tRNA synthetase 2, mitochondrial; minus strand). Cytogenetic location: 1p12.
Variant type: single nucleotide variant.
Coding change: c.399A>G on transcript NM_015836.4 (MANE Select); coding-DNA position 399, A replaced by G.
Protein change: p.Leu133=; no amino-acid change (leucine 133 retained).
Molecular consequence: synonymous variant.
Genome position (GRCh38, 1-based): chr1:119,045,612, T>C on the plus strand (A>G on the coding strand, the complement: WARS2 is on the minus strand). VCF-style: chr1-119045612-T-C. GRCh37 (hg19) VCF-style: chr1-119588235-T-C.
Other names: c.330A>G, p.Leu110= (NM_001378226.1, NM_001378227.1); c.228A>G, p.Leu76= (NM_001378228.1); c.141A>G, p.Leu47= (NM_001378229.1); c.117A>G, p.Leu39= (NM_001378230.1); c.399A>G, p.Leu133= (NM_001378231.1, NM_201263.2); c.399A>G (NM_015836.3).
Identifiers: ClinVar variation 2052412 (VCV002052412.7), dbSNP rs777267723, ClinGen allele CA1035341.

ClinVar aggregate classification (germline): Likely benign. Review status: criteria provided, multiple submitters, no conflicts (2 of 4 stars). 3 submissions from 3 submitters: Likely benign (2). 1 of the submissions does not count toward it. Last evaluated 2024-09-14.

Conditions:
WARS2-related disorder. Also called: WARS2-related disorders; WARS2 related condition.

Allele frequency attached by ClinVar (database versions not stated): gnomAD 0.00009; TOPMed 0.00014; ExAC 0.00015; gnomAD exomes 0.00017.
gnomAD v4.1: 256 of 1,595,278 alleles (0.016%); highest among the groups gnomAD compares: Non-Finnish European, 0.021%; no homozygotes.

Submissions (3):

Blueprint Genetics
Classification: Likely benign. Last evaluated: 2024-09-14. Review status: criteria provided, single submitter. Criteria: ACMG Guidelines, 2015. Collection method: clinical testing. Allele origin: germline.

Labcorp Genetics (formerly Invitae), Labcorp
Classification: Likely benign. Last evaluated: 2024-08-04. Review status: criteria provided, single submitter. Criteria: Invitae Variant Classification Sherloc (09022015). Collection method: clinical testing. Allele origin: germline.

PreventionGenetics, part of Exact Sciences
Classification: Likely benign for WARS2-related condition. Last evaluated: 2019-12-26. Review status: no assertion criteria provided. Collection method: clinical testing. Allele origin: germline. Not counted in ClinVar's aggregate classification.
Comment: This variant is classified as likely benign based on ACMG/AMP sequence variant interpretation guidelines (Richards et al. 2015 PMID: 25741868, with internal and published modifications).